The following is an entry in ClinVar:

ClinVar aggregate classification (germline): Uncertain significance (1 of 4 stars; one submission).

Submission:

Greenwood Genetic Center Diagnostic Laboratories, Greenwood Genetic Center
Classification: Uncertain significance. Last evaluated: 2025-06-20. Review status: criteria provided, single submitter. Criteria: ACMG Guidelines, 2015. Collection method: clinical testing. Allele origin: germline. Affected: yes.
Comment: PM2, BP4, PP2

NM_015215.4(CAMTA1):c.1036A>G (p.Thr346Ala)

Gene: CAMTA1 (calmodulin binding transcription activator 1; plus strand). Cytogenetic location: 1p36.23.
Variant type: single nucleotide variant.
Coding change: c.1036A>G on transcript NM_015215.4 (MANE Select); coding-DNA position 1036, A replaced by G.
Protein change: p.Thr346Ala; replaces threonine 346 with alanine.
Molecular consequence: missense variant.
Genome position (GRCh38, 1-based): chr1:7,663,583, A>G. VCF-style: chr1-7663583-A-G. GRCh37 (hg19) VCF-style: chr1-7723643-A-G.
Other names: c.946A>G, p.Thr316Ala (NM_001349608.2, NM_001349612.2); c.1036A>G, p.Thr346Ala (NM_001349609.2, NM_001349610.2, NM_001410737.1); c.964A>G, p.Thr322Ala (NM_001410738.1); short protein forms T316A, T322A, T346A.
Identifiers: ClinVar variation 4538328 (VCV004538328.1).